The following is an entry in ClinVar:

NM_000492.4(CFTR):c.328G>A (p.Asp110Asn)

Gene: CFTR (CF transmembrane conductance regulator; plus strand). Cytogenetic location: 7q31.2.
Variant type: single nucleotide variant.
Coding change: c.328G>A on transcript NM_000492.4 (MANE Select); coding-DNA position 328, G replaced by A.
Protein change: p.Asp110Asn; replaces aspartic acid 110 with asparagine.
Molecular consequence: missense variant.
Genome position (GRCh38, 1-based): chr7:117,530,953, G>A. VCF-style: chr7-117530953-G-A. GRCh37 (hg19) VCF-style: chr7-117171007-G-A.
Other names: short protein forms D110N.
Identifiers: ClinVar variation 553436 (VCV000553436.4), dbSNP rs113993958, ClinGen allele CA368974385.

ClinVar aggregate classification (germline): Likely pathogenic. Review status: criteria provided, multiple submitters, no conflicts (2 of 4 stars). 3 submissions from 3 submitters: Likely pathogenic (2). 1 of the submissions does not count toward it. Last evaluated 2025-08-06.

Conditions:
Cystic fibrosis (CF). Also called: MUCOVISCIDOSIS. Identifiers: Orphanet 586, MedGen C0010674, MONDO:0009061, OMIM 219700. Disease mechanism: loss of function.
CFTR-related disorder (CFTR-RD). Also called: CFTR-related disorders; CFTR-related condition. Identifiers: MedGen C5924204, MONDO:7770004.

Submissions (3):

Natera, Inc.
Classification: Likely pathogenic for CFTR-related disorders. Last evaluated: 2025-08-06. Review status: criteria provided, single submitter. Criteria: Natera Variant Classification Schema (03/2026). Collection method: clinical testing. Allele origin: germline.
Comment: The c.328G>A variant in CFTR is a missense variant predicted to cause substitution of aspartic acid to asparagine at amino acid 110. This variant is rare in the general population with a frequency below the threshold expected for the associated phenotype(s). Functional studies show that this variant may disrupt protein function (PMID: 38388235). A different variant at the same position has been determined to be Pathogenic or Likely Pathogenic. Computational prediction algorithms indicate this variant is likely to affect gene or protein function. Given the available evidence, this variant is classified as Likely Pathogenic.

Women's Health and Genetics/Laboratory Corporation of America, LabCorp
Classification: Likely pathogenic for Cystic fibrosis. Last evaluated: 2025-04-07. Review status: criteria provided, single submitter. Criteria: LabCorp Variant Classification Summary - May 2015. Collection method: clinical testing. Allele origin: germline.
Comment: Variant summary: CFTR c.328G>A (p.Asp110Asn) results in a conservative amino acid change located in the ABC transporter type 1, transmembrane domain of the encoded protein sequence. Three of five in-silico tools predict a benign effect of the variant on protein function. The variant was absent in 251100 control chromosomes. c.328G>A has been reported in the literature together with F508del in an individual affected with neonatal hypertrypsinaemia and intermediate sweat chloride values who was ultimately diagnosed with Cystic Fibrosis (Corbetta_2002). Different variants affecting the same codon have been classified as pathogenic by our lab (c.328G>C, p.Asp110His; c.328G>T, p.Asp110Tyr; c.330C>A, p.Asp110Glu), supporting the critical relevance of codon 110 to CFTR protein function. At least one publication reports experimental evidence evaluating an impact on protein function. The most pronounced variant effect resulted in approximately 23% of normal chloride channel conductance relative to wild type (Bihler_2024). The following publications have been ascertained in the context of this evaluation (PMID: 12133923, 38388235). ClinVar contains an entry for this variant (Variation ID: 553436). Based on the evidence outlined above, the variant was classified as likely pathogenic.

Counsyl
Classification: Uncertain significance for Cystic fibrosis. Last evaluated: 2017-08-18. Review status: no assertion criteria provided. Collection method: clinical testing. Allele origin: unknown. Not counted in ClinVar's aggregate classification.

Literature cited by the submitters: PubMed 38388235 (cited by Natera, Inc. and Women's Health and Genetics/Laboratory Corporation of America, LabCorp); PubMed 12133923 (cited by Women's Health and Genetics/Laboratory Corporation of America, LabCorp).